The following is an entry in ClinVar:

ClinVar aggregate classification (germline): Pathogenic/Likely pathogenic. Review status: criteria provided, multiple submitters, no conflicts (2 of 4 stars). 11 submissions from 10 submitters: Pathogenic (7); Likely pathogenic (1). 3 of the submissions do not count toward it. Last evaluated 2025-11-24.

Conditions:
Cardiofaciocutaneous syndrome 1 (CFC1). Also called: BRAF-Related Cardiofaciocutaneous Syndrome. Identifiers: Orphanet 1340, MedGen CN029449, MONDO:0007265, OMIM 115150. Disease mechanism: gain of function.
Noonan syndrome 7 (NS7). Also called: BRAF-Related Noonan Syndrome. Identifiers: Orphanet 648, MedGen C3150970, MONDO:0013379, OMIM 613706.
LEOPARD syndrome 3 (LPRD3). Identifiers: Orphanet 500, MedGen C3150971, MONDO:0013380, OMIM 613707.
Lung carcinoma. Identifiers: MedGen C0684249, MONDO:0005138.
Noonan syndrome 1 (NS1). Also called: PTPN11-Related Noonan Syndrome; FEMALE PSEUDO-TURNER SYNDROME; TURNER PHENOTYPE WITH NORMAL KARYOTYPE. Identifiers: Orphanet 648, MedGen C4551602, MONDO:0008104, OMIM 163950. Disease mechanism: gain of function.
Cardio-facio-cutaneous syndrome. Also called: Cardiofaciocutaneous syndrome; CFC syndrome. Identifiers: Orphanet 1340, MedGen C1275081, MONDO:0015280. Disease mechanism: gain of function.
RASopathy. Also called: Noonan spectrum disorder; rasopathies. Identifiers: Orphanet 536391, MedGen C5555857, MONDO:0021060.
Noonan syndrome with multiple lentigines. Identifiers: Orphanet 500, MedGen C0175704, MONDO:0007893.

Submissions (11):

GeneDx
Classification: Pathogenic. Last evaluated: 2025-11-24. Review status: criteria provided, single submitter. Criteria: GeneDx Variant Classification Process June 2021. Collection method: clinical testing. Allele origin: germline. Affected: yes.
Comment: Published functional studies suggest a gain-of-function effect (PMID: 36347258); Missense variants in this gene are a common cause of disease and they are underrepresented in the general population; In silico analysis supports that this missense variant has a deleterious effect on protein structure/function; Not observed at significant frequency in large population cohorts (gnomAD); This variant is associated with the following publications: (PMID: 34573299, 30141192, 23950000, 17704260, 18042262, 24803665, 19206169, 33040082, 33795686, 15488754, 15520807, 16439621, 17603483, 24957944, 29493581, 36347258)

Women's Health and Genetics/Laboratory Corporation of America, LabCorp
Classification: Pathogenic for Cardio-facio-cutaneous syndrome. Last evaluated: 2022-03-21. Review status: criteria provided, single submitter. Criteria: LabCorp Variant Classification Summary - May 2015. Collection method: clinical testing. Allele origin: germline.
Comment: Variant summary: BRAF c.721A>C (p.Thr241Pro) results in a non-conservative amino acid change located in the Cysteine-rich (CRD) domain (Sarkozy_2009) of the encoded protein sequence. Five of five in-silico tools predict a damaging effect of the variant on protein function. The variant was absent in 248524 control chromosomes. c.721A>C has been reported in the literature as a sporadic/de-novo variant in individuals affected with Cardiofaciocutaneous Syndrome/Leopard Syndrome (example, Nava_2007, Schulz_2008, Sarkozy_2009, Sekiguchi_2013). These data indicate that the variant is likely to be associated with disease. At least one publication reports experimental evidence evaluating an impact on protein function. The most pronounced variant effect results in a moderate level of activation as measured by NIH-3T3 colony focus formation and a moderate increase in MEK and ERK phosphorylation in-vitro (example, Sarkozy_2009). Five clinical diagnostic laboratories have submitted clinical-significance assessments for this variant to ClinVar after 2014 without evidence for independent evaluation. All laboratories classified the variant as pathogenic/likely pathogenic. Based on the evidence outlined above, the variant was classified as pathogenic.

MGZ Medical Genetics Center
Classification: Pathogenic for Noonan syndrome 7. Last evaluated: 2022-01-11. Review status: criteria provided, single submitter. Criteria: ACMG Guidelines, 2015. Collection method: clinical testing. Allele origin: germline. Affected: yes. Observed: 1 variant allele.
Comment: ACMG criteria applied: PS2_VSTR, PS4_MOD, PM5, PM2_SUP, PP3

Labcorp Genetics (formerly Invitae), Labcorp
Classification: Pathogenic for RASopathy. Last evaluated: 2021-04-16. Review status: criteria provided, single submitter. Criteria: Invitae Variant Classification Sherloc (09022015). Collection method: clinical testing. Allele origin: germline.
Comment: For these reasons, this variant has been classified as Pathogenic. This variant disrupts the p.The241Met amino acid residue in BRAF. Other variant(s) that disrupt this residue have been determined to be pathogenic (PMID: 19206169). This suggests that this residue is clinically significant, and that variants that disrupt this residue are likely to be disease-causing. Experimental studies have shown that this missense change affects BRAF protein function (PMID: 28404629). Advanced modeling of protein sequence and biophysical properties (such as structural, functional, and spatial information, amino acid conservation, physicochemical variation, residue mobility, and thermodynamic stability) performed at Invitae indicates that this missense variant is expected to disrupt BRAF protein function. This variant has been observed in individual(s) with cardio–facio–cutaneous syndrome (PMID: 17704260, 18042262). In at least one individual the variant was observed to be de novo. ClinVar contains an entry for this variant (Variation ID: 29807). This variant is not present in population databases (ExAC no frequency). This sequence change replaces threonine with proline at codon 241 of the BRAF protein (p.Thr241Pro). The threonine residue is highly conserved and there is a small physicochemical difference between threonine and proline.

Fulgent Genetics
Classification: Pathogenic for Cardiofaciocutaneous syndrome 1; Noonan syndrome 1; Lung cancer; Noonan syndrome 7; LEOPARD syndrome 3. Last evaluated: 2017-05-18. Review status: criteria provided, single submitter. Criteria: ACMG Guidelines, 2015. Collection method: clinical testing. Allele origin: unknown.

Molecular Diagnostics Lab, Nemours Children's Health, Delaware
Classification: Likely pathogenic. Last evaluated: 2015-07-23. Review status: criteria provided, single submitter. Criteria: ACMG Guidelines, 2015. Collection method: clinical testing. Allele origin: unknown. Observed: 1 variant allele.

Laboratory for Molecular Medicine, Mass General Brigham Personalized Medicine
Classification: Pathogenic for Cardio-facio-cutaneous syndrome. Last evaluated: 2012-06-26. Review status: criteria provided, single submitter. Criteria: LMM Criteria. Collection method: clinical testing. Allele origin: germline. Observed: 3 variant alleles.
Comment: The Thr241Pro variant in BRAF has been reported in the literature in four indivi duals with clinical features of Cardio-facio-cutaneous syndrome, LEOPARD, or Cos tello syndrome (Nava 2007, Schulz 2008, Sarkozy 2009). This variant was reported to have occurred de novo in three of those individuals. Therefore, this variant meets our criteria to be classified as pathogenic.

Clinical Genetics Service, Universitary Hospital 12 de Octubre
Classification: Pathogenic for Cardiofaciocutaneous syndrome 1. Review status: criteria provided, single submitter. Criteria: ACMG Guidelines, 2015. Collection method: clinical testing. Allele origin: de novo. Affected: yes.

OMIM
Classification: Pathogenic for CARDIOFACIOCUTANEOUS SYNDROME 1. Last evaluated: 2009-04-01. Review status: no assertion criteria provided. Collection method: literature only. Allele origin: germline. Not counted in ClinVar's aggregate classification.

OMIM
Classification: Pathogenic for LEOPARD SYNDROME 3. Last evaluated: 2009-04-01. Review status: no assertion criteria provided. Collection method: literature only. Allele origin: germline. Not counted in ClinVar's aggregate classification.

GeneReviews
No classification provided. Condition: Noonan syndrome with multiple lentigines. Review status: no classification provided. Collection method: literature only. Allele origin: unknown. Not counted in ClinVar's aggregate classification.

Literature cited by the submitters: PubMed 19206169 (cited by 6 submitters); PubMed 18042262 (cited by 4 submitters); PubMed 17704260 (cited by 3 submitters); PubMed 23950000 (cited by Women's Health and Genetics/Laboratory Corporation of America, LabCorp); PubMed 28404629 (cited by Labcorp Genetics (formerly Invitae), Labcorp); PubMed 20301557 (cited by GeneReviews); NCBI Bookshelf NBK1383 (cited by GeneReviews).

NM_004333.6(BRAF):c.721A>C (p.Thr241Pro)

Gene: BRAF (B-Raf proto-oncogene, serine/threonine kinase; minus strand). Cytogenetic location: 7q34.
Variant type: single nucleotide variant.
Coding change: c.721A>C on transcript NM_004333.6 (MANE Select); coding-DNA position 721, A replaced by C.
Protein change: p.Thr241Pro; replaces threonine 241 with proline.
Molecular consequence: missense variant.
Genome position (GRCh38, 1-based): chr7:140,801,551, T>G on the plus strand (A>C on the coding strand, the complement: BRAF is on the minus strand). VCF-style: chr7-140801551-T-G. GRCh37 (hg19) VCF-style: chr7-140501351-T-G.
Other names: c.721A>C, p.Thr241Pro (NM_001354609.2, NM_001374244.1, NM_001374258.1 and 4 more transcripts); c.730A>C, p.Thr244Pro (NM_001378467.1); c.619A>C, p.Thr207Pro (NM_001378470.1); c.565A>C, p.Thr189Pro (NM_001378472.1, NM_001378473.1); c.457A>C, p.Thr153Pro (NM_001378475.1); short protein forms T241P, T189P, T244P, T207P, T153P.
Identifiers: ClinVar variation 29807 (VCV000029807.24), dbSNP rs387906661, ClinGen allele CA128663.